The following is an entry in ClinVar:

NM_001114753.3(ENG):c.581_582del (p.Leu194fs)

Gene: ENG (endoglin; minus strand). Cytogenetic location: 9q34.11.
Variant type: Deletion.
Coding change: c.581_582del on transcript NM_001114753.3 (MANE Select); coding-DNA positions 581 to 582, 2 bases deleted (TC; older notation c.581_582delTC).
Protein change: p.Leu194fs; shifts the reading frame from leucine 194.
Molecular consequence: frameshift variant.
Genome position (GRCh38, 1-based): chr9:127,825,802-127,825,803, GA deleted on the plus strand (TC on the coding strand, the reverse complement: ENG is on the minus strand); deleting any 2 consecutive bases within chr9:127,825,802-127,825,804 gives the same sequence; the c. name uses the placement nearest the transcript's 3' end. VCF-style (leftmost placement, unchanged base first): chr9-127825801-CGA-C. GRCh37 (hg19) VCF-style: chr9-130588080-CGA-C.
Other names: c.580_581delCT, p.Leu194Argfs (NM_000118.4, NM_001406715.1); c.35_36del, p.Leu12fs (NM_001278138.2); short protein forms L194fs, L12fs.
Identifiers: ClinVar variation 1749845 (VCV001749845.3), dbSNP rs2539076166, ClinGen allele CA2580079691.

ClinVar aggregate classification (germline): Pathogenic. Review status: criteria provided, multiple submitters, no conflicts (2 of 4 stars). 2 submissions from 2 submitters: Pathogenic (2). Last evaluated 2025-05-25.

Conditions:
Hereditary hemorrhagic telangiectasia (HHT). Also called: ORW DISEASE; Osler Weber Rendu syndrome; OSLER-RENDU-WEBER DISEASE; Osler hemorrhagic telangiectasia syndrome. Identifiers: Orphanet 774, MedGen C0039445, MONDO:0019180. Disease mechanism: loss of function.
Cardiovascular phenotype. Identifiers: MedGen CN230736.

Submissions (2):

Labcorp Genetics (formerly Invitae), Labcorp
Classification: Pathogenic for Hereditary hemorrhagic telangiectasia. Last evaluated: 2025-05-25. Review status: criteria provided, single submitter. Criteria: Invitae Variant Classification Sherloc (09022015). Collection method: clinical testing. Allele origin: germline.
Comment: This sequence change creates a premature translational stop signal (p.Leu194Argfs*139) in the ENG gene. It is expected to result in an absent or disrupted protein product. Loss-of-function variants in ENG are known to be pathogenic (PMID: 15879500). This variant is not present in population databases (gnomAD no frequency). This variant has not been reported in the literature in individuals affected with ENG-related conditions. ClinVar contains an entry for this variant (Variation ID: 1749845). For these reasons, this variant has been classified as Pathogenic.

Ambry Genetics
Classification: Pathogenic for Cardiovascular phenotype. Last evaluated: 2021-11-18. Review status: criteria provided, single submitter. Criteria: Ambry Variant Classification Scheme 2023. Collection method: clinical testing. Allele origin: germline.
Comment: The c.581_582delTC pathogenic mutation, located in coding exon 5 of the ENG gene, results from a deletion of two nucleotides at nucleotide positions 581 to 582, causing a translational frameshift with a predicted alternate stop codon (p.L194Rfs*139). This variant is considered to be rare based on population cohorts in the Genome Aggregation Database (gnomAD). This alteration is expected to result in loss of function by premature protein truncation or nonsense-mediated mRNA decay. As such, this alteration is interpreted as a disease-causing mutation.

Literature cited by the submitters: PubMed 15879500 (cited by Labcorp Genetics (formerly Invitae), Labcorp).